The following is an entry in ClinVar:

ClinVar aggregate classification (germline): Uncertain significance (1 of 4 stars; one submission).

Conditions:
Combined immunodeficiency due to LRBA deficiency. Also called: Common variable immunodeficiency 8, with autoimmunity. Identifiers: Orphanet 445018, MedGen C3553512, MONDO:0013863, OMIM 614700.

Submission:

Labcorp Genetics (formerly Invitae), Labcorp
Classification: Uncertain significance for Combined immunodeficiency due to LRBA deficiency. Last evaluated: 2022-01-07. Review status: criteria provided, single submitter. Criteria: Invitae Variant Classification Sherloc (09022015). Collection method: clinical testing. Allele origin: germline.
Comment: This sequence change replaces threonine, which is neutral and polar, with alanine, which is neutral and non-polar, at codon 28 of the LRBA protein (p.Thr28Ala). In summary, the available evidence is currently insufficient to determine the role of this variant in disease. Therefore, it has been classified as a Variant of Uncertain Significance. Algorithms developed to predict the effect of missense changes on protein structure and function output the following: SIFT: "Tolerated"; PolyPhen-2: "Benign"; Align-GVGD: "Class C0". The alanine amino acid residue is found in multiple mammalian species, which suggests that this missense change does not adversely affect protein function. This variant has not been reported in the literature in individuals affected with LRBA-related conditions. This variant is not present in population databases (gnomAD no frequency).

NM_001364905.1(LRBA):c.82A>G (p.Thr28Ala)

Gene: LRBA (LPS responsive beige-like anchor protein; minus strand). Cytogenetic location: 4q31.3.
Variant type: single nucleotide variant.
Coding change: c.82A>G on transcript NM_001364905.1 (MANE Select); coding-DNA position 82, A replaced by G.
Protein change: p.Thr28Ala; replaces threonine 28 with alanine.
Molecular consequence: missense variant.
Genome position (GRCh38, 1-based): chr4:151,014,561, T>C on the plus strand (A>G on the coding strand, the complement: LRBA is on the minus strand). VCF-style: chr4-151014561-T-C. GRCh37 (hg19) VCF-style: chr4-151935713-T-C.
Other names: c.82A>G, p.Thr28Ala (NM_001199282.3, NM_001367550.1, NM_006726.5); short protein forms T28A.
Identifiers: ClinVar variation 1394418 (VCV001394418.8), dbSNP rs201608982, ClinGen allele CA108439380.
Genomic context (GRCh38, chr4:151,014,561, plus strand): 5'-ATTTCATTCTGATGCCCCTGATGGGGAGCCCTGGTTTCAGAGACAATGCACCCCCTTCAG[T>C]AGGGGTTTCTTCTCTCCCTCCACCTCCCCCGTCATCACCTGTTGGTGGCGGGGAAGGGAC-3'
Protein context (NP_001351834.1, residues 18-38): GGGGGREETP[Thr28Ala]EGGALSLKPG